The following is an entry in ClinVar:

ClinVar aggregate classification (germline): Likely pathogenic (1 of 4 stars; one submission).

Conditions:
Glycine encephalopathy. Also called: Non-ketotic hyperglycinemia; Nonketotic hyperglycinemia. Identifiers: Orphanet 407, MedGen C0751748, MONDO:0011612, HP:0008288.

gnomAD v4.1: 1 of 1,613,696 alleles (0.000062%); highest among the groups gnomAD compares: Non-Finnish European, 0.000085%; no homozygotes.

Submission:

Labcorp Genetics (formerly Invitae), Labcorp
Classification: Likely pathogenic for Glycine encephalopathy. Last evaluated: 2022-09-26. Review status: criteria provided, single submitter. Criteria: Invitae Variant Classification Sherloc (09022015). Collection method: clinical testing. Allele origin: germline.
Comment: This variant is not present in population databases (gnomAD no frequency). This missense change has been observed in individual(s) with nonketotic hyperglycinemia (PMID: 26179960, 27362913). In at least one individual the data is consistent with being in trans (on the opposite chromosome) from a pathogenic variant. Advanced modeling of protein sequence and biophysical properties (such as structural, functional, and spatial information, amino acid conservation, physicochemical variation, residue mobility, and thermodynamic stability) performed at Invitae indicates that this missense variant is expected to disrupt GLDC protein function. In summary, the currently available evidence indicates that the variant is pathogenic, but additional data are needed to prove that conclusively. Therefore, this variant has been classified as Likely Pathogenic. This sequence change replaces glycine, which is neutral and non-polar, with arginine, which is basic and polar, at codon 271 of the GLDC protein (p.Gly271Arg).

Literature cited by the submitters: PubMed 26179960; PubMed 27362913.

NM_000170.3(GLDC):c.811G>C (p.Gly271Arg)

Gene: GLDC (glycine decarboxylase; minus strand). Cytogenetic location: 9p24.1.
Variant type: single nucleotide variant.
Coding change: c.811G>C on transcript NM_000170.3 (MANE Select); coding-DNA position 811, G replaced by C.
Protein change: p.Gly271Arg; replaces glycine 271 with arginine.
Molecular consequence: missense variant.
Genome position (GRCh38, 1-based): chr9:6,605,181, C>G on the plus strand (G>C on the coding strand, the complement: GLDC is on the minus strand). VCF-style: chr9-6605181-C-G. GRCh37 (hg19) VCF-style: chr9-6605181-C-G.
Other names: short protein forms G271R.
Identifiers: ClinVar variation 2163172 (VCV002163172.4), dbSNP rs1554648113, ClinGen allele CA372896372.
Genomic context (GRCh38, chr9:6,605,181, plus strand): 5'-GTATACCTACCCCACTCTGATGAGCTCTCTCCACGAGTTCCGTAAAGTCTTCCACCTTCC[C>G]CTCCGTGTCTGGGTACTGGAACAACACTCCACTGACATCTTTTCCACTGAAGTCCATTTC-3'
Protein context (NP_000161.2, residues 261-281): GVLFQYPDTE[Gly271Arg]KVEDFTELVE